The following is an entry in ClinVar:

NM_022916.6(VPS33A):c.1321A>G (p.Ile441Val)

Gene: VPS33A (VPS33A core subunit of CORVET and HOPS complexes; minus strand). Cytogenetic location: 12q24.31.
Variant type: single nucleotide variant.
Coding change: c.1321A>G on transcript NM_022916.6 (MANE Select); coding-DNA position 1321, A replaced by G.
Protein change: p.Ile441Val; replaces isoleucine 441 with valine.
Molecular consequence: missense variant.
Genome position (GRCh38, 1-based): chr12:122,235,905, T>C on the plus strand (A>G on the coding strand, the complement: VPS33A is on the minus strand). VCF-style: chr12-122235905-T-C. GRCh37 (hg19) VCF-style: chr12-122720452-T-C.
Other names: c.1288A>G, p.Ile430Val (NM_001351018.2); c.1273A>G, p.Ile425Val (NM_001351019.2); c.1000A>G, p.Ile334Val (NM_001351020.2); short protein forms I334V, I425V, I430V, I441V.
Identifiers: ClinVar variation 1505108 (VCV001505108.8), dbSNP rs769066469, ClinGen allele CA387050395.

ClinVar aggregate classification (germline): Uncertain significance (1 of 4 stars; one submission).

gnomAD v4.1: 6 of 1,613,042 alleles (0.00037%); highest among the groups gnomAD compares: Non-Finnish European, 0.00051%; no homozygotes.

Submission:

Labcorp Genetics (formerly Invitae), Labcorp
Classification: Uncertain significance. Last evaluated: 2026-01-12. Review status: criteria provided, single submitter. Criteria: Invitae Variant Classification Sherloc (09022015). Collection method: clinical testing. Allele origin: germline.
Comment: This sequence change replaces isoleucine, which is neutral and non-polar, with valine, which is neutral and non-polar, at codon 441 of the VPS33A protein (p.Ile441Val). This variant is not present in population databases (gnomAD no frequency). This variant has not been reported in the literature in individuals affected with VPS33A-related conditions. ClinVar contains an entry for this variant (Variation ID: 1505108). Invitae Evidence Modeling of protein sequence and biophysical properties (such as structural, functional, and spatial information, amino acid conservation, physicochemical variation, residue mobility, and thermodynamic stability) indicates that this missense variant is not expected to disrupt VPS33A protein function with a negative predictive value of 80%. In summary, the available evidence is currently insufficient to determine the role of this variant in disease. Therefore, it has been classified as a Variant of Uncertain Significance.